The following is an entry in ClinVar:

ClinVar aggregate classification (germline): Uncertain significance (1 of 4 stars; one submission).

Conditions:
Inborn genetic diseases. Identifiers: MedGen C0950123, MeSH D030342.

Allele frequency attached by ClinVar (database versions not stated): ExAC 0.00001.
gnomAD v4.1: 1 of 1,614,038 alleles (0.000062%); highest among the groups gnomAD compares: African/African-American, 0.0013%; no homozygotes.

Submission:

Ambry Genetics
Classification: Uncertain significance for Inborn genetic diseases. Last evaluated: 2024-09-06. Review status: criteria provided, single submitter. Criteria: Ambry Variant Classification Scheme 2023. Collection method: clinical testing. Allele origin: germline.
Comment: The p.I466S variant (also known as c.1397T>G), located in coding exon 15 of the ERCC2 gene, results from a T to G substitution at nucleotide position 1397. The isoleucine at codon 466 is replaced by serine, an amino acid with dissimilar properties. This amino acid position is conserved. In addition, this alteration is predicted to be deleterious by in silico analysis. Since supporting evidence is limited at this time, the clinical significance of this alteration remains unclear.

NM_000400.4(ERCC2):c.1397T>G (p.Ile466Ser)

Gene: ERCC2 (ERCC excision repair 2, TFIIH core complex helicase subunit; minus strand). Cytogenetic location: 19q13.32.
Variant type: single nucleotide variant.
Coding change: c.1397T>G on transcript NM_000400.4 (MANE Select); coding-DNA position 1397, T replaced by G.
Protein change: p.Ile466Ser; replaces isoleucine 466 with serine.
Molecular consequence: missense variant.
Genome position (GRCh38, 1-based): chr19:45,357,352, A>C on the plus strand (T>G on the coding strand, the complement: ERCC2 is on the minus strand). VCF-style: chr19-45357352-A-C. GRCh37 (hg19) VCF-style: chr19-45860610-A-C.
Other names: short protein forms I466S.
Identifiers: ClinVar variation 1771665 (VCV001771665.3), dbSNP rs762354840, ClinGen allele CA9513302.